The following is an entry in ClinVar:

NM_001363118.2(SLC52A2):c.1109C>T (p.Ala370Val)

Gene: SLC52A2 (solute carrier family 52 member 2; plus strand). Cytogenetic location: 8q24.3.
Variant type: single nucleotide variant.
Coding change: c.1109C>T on transcript NM_001363118.2 (MANE Select); coding-DNA position 1109, C replaced by T.
Protein change: p.Ala370Val; replaces alanine 370 with valine.
Molecular consequence: missense variant. On other transcripts: non-coding transcript variant (1).
Genome position (GRCh38, 1-based): chr8:144,360,697, C>T. VCF-style: chr8-144360697-C-T. GRCh37 (hg19) VCF-style: chr8-145584357-C-T.
Other names: c.1109C>T, p.Ala370Val (NM_001253815.2, NM_001253816.2, NM_001363120.2 and 2 more transcripts); c.617C>T, p.Ala206Val (NM_001363122.2); c.845C>T, p.Ala282Val (NM_001410949.1); c.1109C>T (NM_001253816.1); short protein forms A282V, A370V, A206V.
Identifiers: ClinVar variation 2032290 (VCV002032290.5), dbSNP rs782004712, ClinGen allele CA4938376.

ClinVar aggregate classification (germline): Uncertain significance. Review status: criteria provided, multiple submitters, no conflicts (2 of 4 stars). 2 submissions from 2 submitters: Uncertain significance (2). Last evaluated 2025-01-16.

Conditions:
SLC52A2-related disorder. Also called: SLC52A2-related condition.
Brown-Vialetto-van Laere syndrome 2. Also called: SPINOCEREBELLAR ATAXIA WITH BLINDNESS AND DEAFNESS 2; Riboflavin transporter deficiency type 2. Identifiers: Orphanet 572543, Orphanet 97229, MedGen C3553538, MONDO:0013867, OMIM 614707.

Allele frequency attached by ClinVar (database versions not stated): gnomAD exomes 0.00003; TOPMed below 0.00001; gnomAD 0.00002; ExAC 0.00003.

Submissions (3):

PreventionGenetics, part of Exact Sciences
Classification: Uncertain significance for SLC52A2-related condition. Last evaluated: 2025-01-16. Review status: criteria provided, single submitter. Criteria: ACMG Guidelines, 2015. Collection method: clinical testing. Allele origin: germline.
Comment: The SLC52A2 c.1109C>T variant is predicted to result in the amino acid substitution p.Ala370Val. To our knowledge, this variant has not been reported in the literature. This variant is reported in 0.013% of alleles in individuals of South Asian descent in gnomAD. At this time, the clinical significance of this variant is uncertain due to the absence of conclusive functional and genetic evidence.

Labcorp Genetics (formerly Invitae), Labcorp
Classification: Uncertain significance for Brown-Vialetto-van Laere syndrome 2. Last evaluated: 2024-02-24. Review status: criteria provided, single submitter. Criteria: Invitae Variant Classification Sherloc (09022015). Collection method: clinical testing. Allele origin: germline.
Comment: This sequence change replaces alanine, which is neutral and non-polar, with valine, which is neutral and non-polar, at codon 370 of the SLC52A2 protein (p.Ala370Val). This variant is present in population databases (rs782004712, gnomAD 0.01%). This variant has not been reported in the literature in individuals affected with SLC52A2-related conditions. ClinVar contains an entry for this variant (Variation ID: 2032290). Advanced modeling of protein sequence and biophysical properties (such as structural, functional, and spatial information, amino acid conservation, physicochemical variation, residue mobility, and thermodynamic stability) performed at Invitae indicates that this missense variant is not expected to disrupt SLC52A2 protein function with a negative predictive value of 80%. Algorithms developed to predict the effect of sequence changes on RNA splicing suggest that this variant may disrupt the consensus splice site. In summary, the available evidence is currently insufficient to determine the role of this variant in disease. Therefore, it has been classified as a Variant of Uncertain Significance.

Dr. Peter K. Rogan Lab, Western University
No classification provided (evidence only). Condition: Thymoma. Review status: no classification provided. Collection method: in vitro. Allele origin: not applicable. Functional consequence: skipped exon, retained intron. Not counted in ClinVar's aggregate classification.